The following is an entry in ClinVar:

ClinVar aggregate classification (germline): Uncertain significance (1 of 4 stars; one submission).

Conditions:
Inborn genetic diseases. Identifiers: MedGen C0950123, MeSH D030342.

Submission:

Ambry Genetics
Classification: Uncertain significance for Inborn genetic diseases. Last evaluated: 2026-08-26. Review status: criteria provided, single submitter. Criteria: Ambry Variant Classification Scheme 2023. Collection method: clinical testing. Allele origin: germline.
Comment: The p.Q976P variant (also known as c.2927A>C), located in coding exon 13 of the ASXL1 gene, results from an A to C substitution at nucleotide position 2927. The glutamine at codon 976 is replaced by proline, an amino acid with similar properties. This amino acid position is conserved. In addition, this alteration is predicted to be tolerated by in silico analysis. Based on the available evidence, the clinical significance of this variant remains unclear.

NM_015338.6(ASXL1):c.2927A>C (p.Gln976Pro)

Gene: ASXL1 (ASXL transcriptional regulator 1; plus strand). Cytogenetic location: 20q11.21.
Variant type: single nucleotide variant.
Coding change: c.2927A>C on transcript NM_015338.6 (MANE Select); coding-DNA position 2927, A replaced by C.
Protein change: p.Gln976Pro; replaces glutamine 976 with proline.
Molecular consequence: missense variant.
Genome position (GRCh38, 1-based): chr20:32,435,639, A>C. VCF-style: chr20-32435639-A-C. GRCh37 (hg19) VCF-style: chr20-31023442-A-C.
Other names: c.2744A>C, p.Gln915Pro (NM_001363734.1); short protein forms Q976P, Q915P.
Identifiers: ClinVar variation 5030387 (VCV005030387.1).